The following is an entry in ClinVar:

ClinVar aggregate classification (germline): Conflicting classifications of pathogenicity. Review status: criteria provided, conflicting classifications (1 of 4 stars). 6 submissions from 6 submitters: Uncertain significance (3); Likely benign (1). 2 of the submissions do not count toward it. Last evaluated 2026-02-16.

Conditions:
Cardiovascular phenotype. Identifiers: MedGen CN230736.
Alstrom syndrome (ALMS). Identifiers: Orphanet 64, MedGen C0268425, MONDO:0008763, OMIM 203800.

Allele frequency attached by ClinVar (database versions not stated): gnomAD exomes below 0.00001; gnomAD 0.00006; TOPMed 0.00007.
gnomAD v4.1: 14 of 1,613,940 alleles (0.00087%); highest among the groups gnomAD compares: African/African-American, 0.016%; no homozygotes.

Submissions (6):

Ambry Genetics
Classification: Likely benign for Cardiovascular phenotype. Last evaluated: 2026-02-16. Review status: criteria provided, single submitter. Criteria: Ambry Variant Classification Scheme 2023. Collection method: clinical testing. Allele origin: germline.

Labcorp Genetics (formerly Invitae), Labcorp
Classification: Uncertain significance for Alstrom syndrome. Last evaluated: 2025-12-14. Review status: criteria provided, single submitter. Criteria: Invitae Variant Classification Sherloc (09022015). Collection method: clinical testing. Allele origin: germline.
Comment: This sequence change replaces lysine, which is basic and polar, with asparagine, which is neutral and polar, at codon 2454 of the ALMS1 protein (p.Lys2454Asn). This variant is present in population databases (no rsID available, gnomAD 0.01%). This variant has not been reported in the literature in individuals affected with ALMS1-related conditions. ClinVar contains an entry for this variant (Variation ID: 551177). Experimental studies and prediction algorithms are not available or were not evaluated, and the functional significance of this variant is currently unknown. In summary, the available evidence is currently insufficient to determine the role of this variant in disease. Therefore, it has been classified as a Variant of Uncertain Significance.

GeneDx
Classification: Uncertain significance. Last evaluated: 2024-09-17. Review status: criteria provided, single submitter. Criteria: GeneDx Variant Classification Process June 2021. Collection method: clinical testing. Allele origin: germline. Affected: yes.
Comment: Not observed at significant frequency in large population cohorts (gnomAD); In silico analysis indicates that this missense variant does not alter protein structure/function; Has not been previously published as pathogenic or benign to our knowledge

Fulgent Genetics
Classification: Uncertain significance for Alstrom syndrome. Last evaluated: 2022-01-28. Review status: criteria provided, single submitter. Criteria: ACMG Guidelines, 2015. Collection method: clinical testing. Allele origin: unknown.

Natera, Inc.
Classification: Uncertain significance for Alstrom syndrome. Last evaluated: 2020-07-21. Review status: no assertion criteria provided. Collection method: clinical testing. Allele origin: germline. Not counted in ClinVar's aggregate classification.

Counsyl
Classification: Uncertain significance for Alstrom syndrome. Last evaluated: 2017-03-20. Review status: no assertion criteria provided. Collection method: clinical testing. Allele origin: unknown. Not counted in ClinVar's aggregate classification.

NM_001378454.1(ALMS1):c.7359G>T (p.Lys2453Asn)

Gene: ALMS1 (ALMS1 centrosome and basal body associated protein; plus strand). Cytogenetic location: 2p13.1.
Variant type: single nucleotide variant.
Coding change: c.7359G>T on transcript NM_001378454.1 (MANE Select); coding-DNA position 7359, G replaced by T.
Protein change: p.Lys2453Asn; replaces lysine 2453 with asparagine.
Molecular consequence: missense variant.
Genome position (GRCh38, 1-based): chr2:73,453,886, G>T. VCF-style: chr2-73453886-G-T. GRCh37 (hg19) VCF-style: chr2-73681013-G-T.
Other names: c.7362G>T, p.Lys2454Asn (NM_015120.4); short protein forms K2454N, K2453N.
Identifiers: ClinVar variation 551177 (VCV000551177.17), dbSNP rs1400122858, ClinGen allele CA347292304.
Genomic context (GRCh38, chr2:73,453,886, plus strand): 5'-AGAGTCTTTGGAATCAGTTTCTGATGTTCTTCTAAACTTCTTTCCATATGTTTCACCCAA[G>T]ACAAGTATAACAGATAGCAGGGAGGAAGAGGGTGTGTCAGAGAGTGAGGATGGTGGTGGT-3'
Protein context (NP_001365383.1, residues 2443-2463): LLNFFPYVSP[Lys2453Asn]TSITDSREEE